The following is an entry in ClinVar:

NM_001162383.2(ARHGEF2):c.1218C>T (p.His406=)

Genes: ARHGEF2 (Rho/Rac guanine nucleotide exchange factor 2; minus strand), LOC122128443 (CDK7 strongly-dependent group 2 enhancer GRCh37_chr1:155931313-155932512; plus strand). Cytogenetic location: 1q22.
Variant type: single nucleotide variant.
Coding change: c.1218C>T on transcript NM_001162383.2 (MANE Select); coding-DNA position 1218, C replaced by T.
Protein change: p.His406=; no amino-acid change (histidine 406 retained).
Molecular consequence: synonymous variant.
Genome position (GRCh38, 1-based): chr1:155,962,106, G>A on the plus strand (C>T on the coding strand, the complement: ARHGEF2 is on the minus strand). VCF-style: chr1-155962106-G-A. GRCh37 (hg19) VCF-style: chr1-155931897-G-A.
Other names: c.1215C>T, p.His405= (NM_001162384.2); c.1137C>T, p.His379= (NM_001350110.2, NM_001350111.2); c.1164C>T, p.His388= (NM_001350112.2); c.1134C>T, p.His378= (NM_004723.4).
Identifiers: ClinVar variation 2639442 (VCV002639442.25), dbSNP rs746749748, ClinGen allele CA1153328.
Genomic context (GRCh38, chr1:155,962,106, plus strand): 5'-CCTTTCCTCACCCCAGGTGGCCGTCTCCCAGTGGCCCTCTCCTGGGCCTGCCTACTCACC[G>A]TGGGAATGCTGCAGGATGCGGCTGATGAGTAACGGGTACTTGGTGATGCGCTGAGTCACC-3'
Protein context (NP_001155855.1, residues 396-416): LLISRILQHS[His406=]GIEEERQDLT

ClinVar aggregate classification (germline): Likely benign. Review status: criteria provided, multiple submitters, no conflicts (2 of 4 stars). 2 submissions from 2 submitters: Likely benign (2). Last evaluated 2024-11-15.

Allele frequency attached by ClinVar (database versions not stated): gnomAD 0.00002; TOPMed 0.00002; ExAC 0.00003.

Submissions (2):

Blueprint Genetics
Classification: Likely benign. Last evaluated: 2024-11-15. Review status: criteria provided, single submitter. Criteria: ACMG Guidelines, 2015. Collection method: clinical testing. Allele origin: germline.

CeGaT Center for Human Genetics Tuebingen
Classification: Likely benign. Last evaluated: 2023-08-01. Review status: criteria provided, single submitter. Criteria: CeGaT Center For Human Genetics Tuebingen Variant Classification Criteria Version 2. Collection method: clinical testing. Allele origin: germline. Affected: yes. Observed: 2 variant alleles.
Comment: ARHGEF2: BP4, BP7